The following is an entry in ClinVar:

ClinVar aggregate classification (germline): Uncertain significance (1 of 4 stars; one submission).

Submission:

Labcorp Genetics (formerly Invitae), Labcorp
Classification: Uncertain significance. Last evaluated: 2021-10-12. Review status: criteria provided, single submitter. Criteria: Invitae Variant Classification Sherloc (09022015). Collection method: clinical testing. Allele origin: germline.
Comment: In summary, the available evidence is currently insufficient to determine the role of this variant in disease. Therefore, it has been classified as a Variant of Uncertain Significance. Experimental studies and prediction algorithms are not available or were not evaluated, and the functional significance of this variant is currently unknown. This variant has not been reported in the literature in individuals affected with COL11A1-related conditions. The frequency data for this variant in the population databases is not available, as this variant may be reported as separate entries in the ExAC database. This sequence change replaces glutamine with arginine at codon 1791 of the COL11A1 protein (p.Gln1791Arg). The glutamine residue is highly conserved and there is a small physicochemical difference between glutamine and arginine.

NM_001854.4(COL11A1):c.5372_5373delinsGC (p.Gln1791Arg)

Gene: COL11A1 (collagen type XI alpha 1 chain; minus strand). Cytogenetic location: 1p21.1.
Variant type: Indel.
Coding change: c.5372_5373delinsGC on transcript NM_001854.4 (MANE Select); coding-DNA positions 5372 to 5373, AG replaced by GC.
Protein change: p.Gln1791Arg; replaces glutamine 1791 with arginine.
Molecular consequence: missense variant. On other transcripts: non-coding transcript variant (1).
Genome position (GRCh38, 1-based): chr1:102,878,067-102,878,068, CT replaced by GC on the plus strand (AG replaced by GC on the coding strand, the reverse complement: COL11A1 is on the minus strand). VCF-style: chr1-102878067-CT-GC. GRCh37 (hg19) VCF-style: chr1-103343623-CT-GC.
Other names: c.5255_5256delinsGC, p.Gln1752Arg (NM_001190709.2); c.5408_5409delinsGC, p.Gln1803Arg (NM_080629.3); c.5024_5025delinsGC, p.Gln1675Arg (NM_080630.4); short protein forms Q1752R, Q1803R, Q1791R, Q1675R.
Identifiers: ClinVar variation 1491400 (VCV001491400.6), dbSNP rs2100995563, ClinGen allele CA2573130850.